The following is an entry in ClinVar:

ClinVar aggregate classification (germline): Uncertain significance (1 of 4 stars; one submission).

Conditions:
Inborn genetic diseases. Identifiers: MedGen C0950123, MeSH D030342.

gnomAD v4.1: 1 of 1,613,326 alleles (0.000062%); highest among the groups gnomAD compares: South Asian, 0.0011%; no homozygotes.

Submission:

Ambry Genetics
Classification: Uncertain significance for Inborn genetic diseases. Last evaluated: 2026-02-17. Review status: criteria provided, single submitter. Criteria: Ambry Variant Classification Scheme 2023. Collection method: clinical testing. Allele origin: germline.
Comment: The p.C579Y variant (also known as c.1736G>A), located in coding exon 1 of the SAMD9L gene, results from a G to A substitution at nucleotide position 1736. The cysteine at codon 579 is replaced by tyrosine, an amino acid with highly dissimilar properties. This amino acid position is conserved. In addition, the in silico prediction for this alteration is inconclusive. Based on the available evidence, the clinical significance of this variant remains unclear.

NM_152703.5(SAMD9L):c.1736G>A (p.Cys579Tyr)

Gene: SAMD9L (sterile alpha motif domain containing 9 like; minus strand). Cytogenetic location: 7q21.2.
Variant type: single nucleotide variant.
Coding change: c.1736G>A on transcript NM_152703.5 (MANE Select); coding-DNA position 1736, G replaced by A.
Protein change: p.Cys579Tyr; replaces cysteine 579 with tyrosine.
Molecular consequence: missense variant.
Genome position (GRCh38, 1-based): chr7:93,134,236, C>T on the plus strand (G>A on the coding strand, the complement: SAMD9L is on the minus strand). VCF-style: chr7-93134236-C-T. GRCh37 (hg19) VCF-style: chr7-92763549-C-T.
Other names: c.1736G>A, p.Cys579Tyr (NM_001303496.3, NM_001303497.3, NM_001303498.3 and 5 more transcripts); short protein forms C579Y.
Identifiers: ClinVar variation 4844835 (VCV004844835.1).